The following is an entry in ClinVar:

ClinVar aggregate classification (germline): Uncertain significance (1 of 4 stars; one submission).

gnomAD v4.1: 6 of 1,612,930 alleles (0.00037%); highest among the groups gnomAD compares: Non-Finnish European, 0.00051%; no homozygotes.

Submission:

GeneDx
Classification: Uncertain significance. Last evaluated: 2025-04-08. Review status: criteria provided, single submitter. Criteria: GeneDx Variant Classification Process June 2021. Collection method: clinical testing. Allele origin: germline. Affected: yes.
Comment: Not observed at significant frequency in large population cohorts (gnomAD); In silico analysis indicates that this missense variant does not alter protein structure/function; Has not been previously published as pathogenic or benign to our knowledge

NM_001378414.1(HDAC4):c.1596G>C (p.Glu532Asp)

Gene: HDAC4 (histone deacetylase 4; minus strand). Cytogenetic location: 2q37.3.
Variant type: single nucleotide variant.
Coding change: c.1596G>C on transcript NM_001378414.1 (MANE Select); coding-DNA position 1596, G replaced by C.
Protein change: p.Glu532Asp; replaces glutamic acid 532 with aspartic acid.
Molecular consequence: missense variant.
Genome position (GRCh38, 1-based): chr2:239,115,248, C>G on the plus strand (G>C on the coding strand, the complement: HDAC4 is on the minus strand). VCF-style: chr2-239115248-C-G. GRCh37 (hg19) VCF-style: chr2-240036944-C-G.
Other names: c.1596G>C, p.Glu532Asp (NM_001378415.1); c.1581G>C, p.Glu527Asp (NM_001378416.1, NM_001378417.1, NM_001435996.1 and 1 more transcripts); c.1515G>C, p.Glu505Asp (NM_001435991.1, NM_001435992.1, NM_001435994.1); c.1437G>C, p.Glu479Asp (NM_001435993.1); c.1500G>C, p.Glu500Asp (NM_001435998.1); short protein forms E479D, E500D, E505D, E527D, E532D.
Identifiers: ClinVar variation 4282012 (VCV004282012.1).